The following is an entry in ClinVar:

ClinVar aggregate classification (germline): Uncertain significance (1 of 4 stars; one submission).

gnomAD v4.1: 31 of 1,614,186 alleles (0.0019%); highest among the groups gnomAD compares: Middle Eastern, 0.033%; no homozygotes.

Submission:

Labcorp Genetics (formerly Invitae), Labcorp
Classification: Uncertain significance. Last evaluated: 2025-10-08. Review status: criteria provided, single submitter. Criteria: Invitae Variant Classification Sherloc (09022015). Collection method: clinical testing. Allele origin: germline.
Comment: This sequence change replaces threonine, which is neutral and polar, with methionine, which is neutral and non-polar, at codon 87 of the ERCC1 protein (p.Thr87Met). This variant is present in population databases (rs766869924, gnomAD 0.008%). This variant has not been reported in the literature in individuals affected with ERCC1-related conditions. An algorithm developed to predict the effect of missense changes on protein structure and function (PolyPhen-2) suggests that this variant is likely to be tolerated. In summary, the available evidence is currently insufficient to determine the role of this variant in disease. Therefore, it has been classified as a Variant of Uncertain Significance.

NM_001983.4(ERCC1):c.260C>T (p.Thr87Met)

Gene: ERCC1 (ERCC excision repair 1, endonuclease non-catalytic subunit; minus strand). Cytogenetic location: 19q13.32.
Variant type: single nucleotide variant.
Coding change: c.260C>T on transcript NM_001983.4 (MANE Select); coding-DNA position 260, C replaced by T.
Protein change: p.Thr87Met; replaces threonine 87 with methionine.
Molecular consequence: missense variant.
Genome position (GRCh38, 1-based): chr19:45,421,239, G>A on the plus strand (C>T on the coding strand, the complement: ERCC1 is on the minus strand). VCF-style: chr19-45421239-G-A. GRCh37 (hg19) VCF-style: chr19-45924497-G-A.
Other names: c.260C>T, p.Thr87Met (NM_001166049.2, NM_001369408.1, NM_001369409.1 and 11 more transcripts); short protein forms T87M.
Identifiers: ClinVar variation 4700059 (VCV004700059.1).
Genomic context (GRCh38, chr19:45,421,239, plus strand): 5'-TGCCGAGGGCTCACAATGATGCTGTTGGATTTTGCCCCGGGTTTCAGGGCCTGGTTGGGC[G>A]TCTCTCCTGCCAGGGGCTCTGACCCTGTGGGGCACGTGGCCCCAGCCCCTTCCAGAGGCT-3'
Protein context (NP_001974.1, residues 77-97): PTGSEPLAGE[Thr87Met]PNQALKPGAK